The following is an entry in ClinVar:

NM_052813.5(CARD9):c.627+5G>A

Gene: CARD9 (caspase recruitment domain family member 9; minus strand). Cytogenetic location: 9q34.3.
Variant type: single nucleotide variant.
Coding change: c.627+5G>A on transcript NM_052813.5 (MANE Select); 5 bases into the intron after coding-DNA position 627, G replaced by A.
Molecular consequence: intron variant.
Genome position (GRCh38, 1-based): chr9:136,370,836, C>T on the plus strand (G>A on the coding strand, the complement: CARD9 is on the minus strand). VCF-style: chr9-136370836-C-T. GRCh37 (hg19) VCF-style: chr9-139265288-C-T.
Other names: c.627+5G>A (NM_052814.4).
Identifiers: ClinVar variation 1400481 (VCV001400481.3), dbSNP rs376932110, ClinGen allele CA5333069.

ClinVar aggregate classification (germline): Uncertain significance (1 of 4 stars; one submission).

Conditions:
Predisposition to invasive fungal disease due to CARD9 deficiency (IMD103). Also called: CARD9 IMMUNODEFICIENCY; Candidiasis, familial, 2, autosomal recessive; IMMUNODEFICIENCY 103, SUSCEPTIBILITY TO FUNGAL INFECTIONS. Identifiers: Orphanet 457088, MedGen C1859353, MONDO:0008905, OMIM 212050.

Allele frequency attached by ClinVar (database versions not stated): gnomAD exomes 0.00001 and 0.00002; ExAC 0.00002; gnomAD 0.00005 and 0.00006; TOPMed 0.00005; ESP Exome Variant Server 0.00023.

Submission:

Labcorp Genetics (formerly Invitae), Labcorp
Classification: Uncertain significance for Predisposition to invasive fungal disease due to CARD9 deficiency. Last evaluated: 2021-06-22. Review status: criteria provided, single submitter. Criteria: Invitae Variant Classification Sherloc (09022015). Collection method: clinical testing. Allele origin: germline.
Comment: This sequence change falls in intron 4 of the CARD9 gene. It does not directly change the encoded amino acid sequence of the CARD9 protein. It affects a nucleotide within the consensus splice site of the intron. This variant is present in population databases (rs376932110, ExAC 0.01%). This variant has not been reported in the literature in individuals with CARD9-related conditions. Nucleotide substitutions within the consensus splice site are a relatively common cause of aberrant splicing (PMID: 17576681, 9536098). Algorithms developed to predict the effect of sequence changes on RNA splicing suggest that this variant may disrupt the consensus splice site, but this prediction has not been confirmed by published transcriptional studies. In summary, the available evidence is currently insufficient to determine the role of this variant in disease. Therefore, it has been classified as a Variant of Uncertain Significance.

Literature cited by the submitters: PubMed 17576681; PubMed 9536098.